The following is an entry in ClinVar:

NM_017934.7(PHIP):c.1950A>G (p.Leu650=)

Gene: PHIP (PHIP subunit of CUL4-Ring ligase complex; minus strand). Cytogenetic location: 6q14.1.
Variant type: single nucleotide variant.
Coding change: c.1950A>G on transcript NM_017934.7 (MANE Select); coding-DNA position 1950, A replaced by G.
Protein change: p.Leu650=; no amino-acid change (leucine 650 retained).
Molecular consequence: synonymous variant.
Genome position (GRCh38, 1-based): chr6:78,998,321, T>C on the plus strand (A>G on the coding strand, the complement: PHIP is on the minus strand). VCF-style: chr6-78998321-T-C. GRCh37 (hg19) VCF-style: chr6-79708038-T-C.
Identifiers: ClinVar variation 3027086 (VCV003027086.22), dbSNP rs1769762603, ClinGen allele CA451005154.

ClinVar aggregate classification (germline): Likely benign (1 of 4 stars; one submission).

Allele frequency attached by ClinVar (database versions not stated): gnomAD 0.00001.
gnomAD v4.1: 1 of 1,613,210 alleles (0.000062%); highest among the groups gnomAD compares: African/African-American, 0.0013%; no homozygotes.

Submission:

CeGaT Center for Human Genetics Tuebingen
Classification: Likely benign. Last evaluated: 2024-02-01. Review status: criteria provided, single submitter. Criteria: CeGaT Center For Human Genetics Tuebingen Variant Classification Criteria Version 2. Collection method: clinical testing. Allele origin: germline. Affected: yes. Observed: 1 variant allele.
Comment: PHIP: BP4, BP7